The following is an entry in ClinVar:

NM_000417.3(IL2RA):c.517G>A (p.Gly173Arg)

Gene: IL2RA (interleukin 2 receptor subunit alpha; minus strand). Cytogenetic location: 10p15.1.
Variant type: single nucleotide variant.
Coding change: c.517G>A on transcript NM_000417.3 (MANE Select); coding-DNA position 517, G replaced by A.
Protein change: p.Gly173Arg; replaces glycine 173 with arginine.
Molecular consequence: missense variant. On other transcripts: intron variant (2).
Genome position (GRCh38, 1-based): chr10:6,021,544, C>T on the plus strand (G>A on the coding strand, the complement: IL2RA is on the minus strand). VCF-style: chr10-6021544-C-T. GRCh37 (hg19) VCF-style: chr10-6063507-C-T.
Other names: c.368-2045G>A (NM_001308243.2); c.368-1603G>A (NM_001308242.2); short protein forms G173R.
Identifiers: ClinVar variation 575543 (VCV000575543.8), dbSNP rs752423140, ClinGen allele CA5397426.

ClinVar aggregate classification (germline): Uncertain significance. Review status: criteria provided, multiple submitters, no conflicts (2 of 4 stars). 2 submissions from 2 submitters: Uncertain significance (2). Last evaluated 2024-04-08.

Conditions:
Immunodeficiency due to CD25 deficiency. Also called: IL2RA DEFICIENCY; CD25 DEFICIENCY; IMMUNODEFICIENCY 41 WITH LYMPHOPROLIFERATION AND AUTOIMMUNITY. Identifiers: Orphanet 169100, MedGen C1853392, MONDO:0011664, OMIM 606367.

Allele frequency attached by ClinVar (database versions not stated): ExAC 0.00001; gnomAD exomes 0.00002; gnomAD 0.00003; TOPMed 0.00004.
gnomAD v4.1: 28 of 1,613,952 alleles (0.0017%); highest among the groups gnomAD compares: Middle Eastern, 0.016%; no homozygotes.

Submissions (2):

Ambry Genetics
Classification: Uncertain significance. Last evaluated: 2024-04-08. Review status: criteria provided, single submitter. Criteria: Ambry Variant Classification Scheme 2023. Collection method: clinical testing. Allele origin: germline.

Labcorp Genetics (formerly Invitae), Labcorp
Classification: Uncertain significance for Immunodeficiency due to CD25 deficiency. Last evaluated: 2021-08-27. Review status: criteria provided, single submitter. Criteria: Invitae Variant Classification Sherloc (09022015). Collection method: clinical testing. Allele origin: germline.
Comment: This sequence change replaces glycine with arginine at codon 173 of the IL2RA protein (p.Gly173Arg). The glycine residue is highly conserved and there is a moderate physicochemical difference between glycine and arginine. This variant is present in population databases (rs752423140, ExAC 0.009%). This variant has not been reported in the literature in individuals affected with IL2RA-related conditions. Algorithms developed to predict the effect of missense changes on protein structure and function are either unavailable or do not agree on the potential impact of this missense change (SIFT: "Deleterious"; PolyPhen-2: "Probably Damaging"; Align-GVGD: "Class C0"). Algorithms developed to predict the effect of sequence changes on RNA splicing suggest that this variant may create or strengthen a splice site. In summary, the available evidence is currently insufficient to determine the role of this variant in disease. Therefore, it has been classified as a Variant of Uncertain Significance.